The following is an entry in ClinVar:

NM_003041.4(SLC5A2):c.1544C>T (p.Ser515Leu)

Gene: SLC5A2 (solute carrier family 5 member 2; plus strand). Cytogenetic location: 16p11.2.
Variant type: single nucleotide variant.
Coding change: c.1544C>T on transcript NM_003041.4 (MANE Select); coding-DNA position 1544, C replaced by T.
Protein change: p.Ser515Leu; replaces serine 515 with leucine.
Molecular consequence: missense variant. On other transcripts: non-coding transcript variant (1).
Genome position (GRCh38, 1-based): chr16:31,489,217, C>T. VCF-style: chr16-31489217-C-T. GRCh37 (hg19) VCF-style: chr16-31500538-C-T.
Other names: short protein forms S515L.
Identifiers: ClinVar variation 4887878 (VCV004887878.1).

ClinVar aggregate classification (germline): Uncertain significance (1 of 4 stars; one submission).

Submission:

GeneDx
Classification: Uncertain significance. Last evaluated: 2026-01-29. Review status: criteria provided, single submitter. Criteria: GeneDx Variant Classification Process June 2021. Collection method: clinical testing. Allele origin: germline.
Comment: In silico analysis supports that this missense variant has a deleterious effect on protein structure/function; Not observed at significant frequency in large population cohorts (gnomAD); Has not been previously published as pathogenic or benign to our knowledge